The following is an entry in ClinVar:

NM_001447.3(FAT2):c.11859G>C (p.Gln3953His)

Genes: FAT2 (FAT atypical cadherin 2; minus strand), SLC36A1 (solute carrier family 36 member 1; plus strand). Cytogenetic location: 5q33.1.
Variant type: single nucleotide variant.
Coding change: c.11859G>C on transcript NM_001447.3 (MANE Select); coding-DNA position 11859, G replaced by C.
Protein change: p.Gln3953His; replaces glutamine 3953 with histidine.
Molecular consequence: missense variant.
Genome position (GRCh38, 1-based): chr5:151,512,211, C>G on the plus strand (G>C on the coding strand, the complement: FAT2 is on the minus strand). VCF-style: chr5-151512211-C-G. GRCh37 (hg19) VCF-style: chr5-150891772-C-G.
Other names: c.11859G>C (NM_001447.2); short protein forms Q3953H.
Identifiers: ClinVar variation 2039709 (VCV002039709.6), dbSNP rs2304029, ClinGen allele CA3519927.

ClinVar aggregate classification (germline): Benign. Review status: criteria provided, single submitter (1 of 4 stars). 2 submissions from 2 submitters: Benign (1). 1 of the submissions does not count toward it. Last evaluated 2026-02-02.

Conditions:
FAT2-related disorder. Also called: FAT2-related condition.

Allele frequency attached by ClinVar (database versions not stated): 1000 Genomes Project 0.03335; 1000 Genomes Project 30x 0.03342; ExAC 0.03801; TOPMed 0.04182; gnomAD 0.04206; ESP Exome Variant Server 0.04590; gnomAD exomes 0.04661.
gnomAD v4.1: 74,557 of 1,614,158 alleles (4.6%); highest among the groups gnomAD compares: Non-Finnish European, 5%; 1,886 homozygotes.

Submissions (2):

Labcorp Genetics (formerly Invitae), Labcorp
Classification: Benign. Last evaluated: 2026-02-02. Review status: criteria provided, single submitter. Criteria: Invitae Variant Classification Sherloc (09022015). Collection method: clinical testing. Allele origin: germline.

PreventionGenetics, part of Exact Sciences
Classification: Benign for FAT2-related condition. Last evaluated: 2019-03-21. Review status: no assertion criteria provided. Collection method: clinical testing. Allele origin: germline. Not counted in ClinVar's aggregate classification.
Comment: This variant is classified as benign based on ACMG/AMP sequence variant interpretation guidelines (Richards et al. 2015 PMID: 25741868, with internal and published modifications).